The following is an entry in ClinVar:

ClinVar aggregate classification (germline): Uncertain significance. Review status: criteria provided, multiple submitters, no conflicts (2 of 4 stars). 3 submissions from 3 submitters: Uncertain significance (3). Last evaluated 2026-02-17.

Conditions:
Polycystic kidney disease, adult type (PKD1). Also called: POLYCYSTIC KIDNEY DISEASE, ADULT, TYPE I; Polycystic Kidney Disease 1, Autosomal Dominant; Polycystic kidney disease 1; Polycystic kidney disease 1, severe; Polycystic Kidney, Autosomal Dominant; POLYCYSTIC KIDNEY DISEASE 1 WITH OR WITHOUT POLYCYSTIC LIVER DISEASE. Identifiers: MedGen C3149841, MONDO:0008263, OMIM 173900.

Submissions (3):

Victorian Clinical Genetics Services, Murdoch Childrens Research Institute
Classification: Uncertain significance for Polycystic kidney disease, adult type. Last evaluated: 2026-02-17. Review status: criteria provided, single submitter. Criteria: ACMG Guidelines, 2015. Collection method: clinical testing. Allele origin: germline. Affected: yes.
Comment: This variant is classified as VUS-3A. Evidence in support of pathogenic classification: Variant is absent from gnomAD (v2, v3 and v4). Additional information: Variant is predicted to result in a missense amino acid change from Ser to Phe; This variant is heterozygous; This gene is associated with autosomal dominant disease. Polycystic kidney disease 1 (MIM#173900) is predominantly caused by monoallelic variants, with rare reports of biallelic variants causing disease (OMIM); Previous evidence of pathogenicity for this variant is inconclusive. This variant has been classified as a VUS by a clinical laboratory in ClinVar; No published evidence of segregation with disease has been identified for this variant; No published functional evidence has been identified for this variant; No comparable missense variants have previous evidence for pathogenicity; Variant is not located in an established domain, motif, hotspot or informative constraint region; Missense variant with inconclusive in silico prediction and/or uninformative conservation; Loss of function is a known mechanism of disease in this gene and is associated with polycystic kidney disease 1 (MIM#173900); Inheritance information for this variant is not currently available in this individual.

Blueprint Genetics
Classification: Uncertain significance. Last evaluated: 2022-03-31. Review status: criteria provided, single submitter. Criteria: ACMG Guidelines, 2015. Collection method: clinical testing. Allele origin: germline.

MVZ Medizinische Genetik Mainz
Classification: Uncertain significance for Polycystic kidney disease, adult type. Last evaluated: 2021-11-15. Review status: criteria provided, single submitter. Criteria: UK Practice Guidelines For Variant Classification V4 01 2020. Collection method: clinical testing. Allele origin: germline. Inheritance: Autosomal dominant inheritance. Affected: yes. Observed: 1 variant allele.
Comment: ACMG Criteria: PM2_SUP, PP3, PP4 (ACMG Version 3)

NM_001009944.3(PKD1):c.9038C>T (p.Ser3013Phe)

Gene: PKD1 (polycystin 1, transient receptor potential channel interacting; minus strand). Cytogenetic location: 16p13.3.
Variant type: single nucleotide variant.
Coding change: c.9038C>T on transcript NM_001009944.3 (MANE Select); coding-DNA position 9038, C replaced by T.
Protein change: p.Ser3013Phe; replaces serine 3013 with phenylalanine.
Molecular consequence: missense variant.
Genome position (GRCh38, 1-based): chr16:2,102,544, G>A on the plus strand (C>T on the coding strand, the complement: PKD1 is on the minus strand). VCF-style: chr16-2102544-G-A. GRCh37 (hg19) VCF-style: chr16-2152545-G-A.
Other names: c.9038C>T, p.Ser3013Phe (NM_000296.4); short protein forms S3013F.
Identifiers: ClinVar variation 3235233 (VCV003235233.3), dbSNP rs2544733576.